The following is an entry in ClinVar:

ClinVar aggregate classification (germline): Benign/Likely benign. Review status: criteria provided, multiple submitters, no conflicts (2 of 4 stars). 3 submissions from 3 submitters: Benign (2); Likely benign (1). Last evaluated 2021-05-15.

Conditions:
Hypohidrotic ectodermal dysplasia (HED). Identifiers: Orphanet 238468, MedGen C5848103, MONDO:0016535, HP:0007607.

Allele frequency attached by ClinVar (database versions not stated): 1000 Genomes Project 0.03275; 1000 Genomes Project 30x 0.03264.
gnomAD v4.1: 75,683 of 963,846 alleles (7.9%); highest among the groups gnomAD compares: Non-Finnish European, 8.9%; 3,600 homozygotes.

Submissions (3):

GeneDx
Classification: Benign. Last evaluated: 2021-05-15. Review status: criteria provided, single submitter. Criteria: GeneDx Variant Classification Process June 2021. Collection method: clinical testing. Allele origin: germline. Affected: yes.

Illumina Laboratory Services, Illumina
Classification: Benign for Hypohidrotic ectodermal dysplasia. Last evaluated: 2018-01-13. Review status: criteria provided, single submitter. Criteria: ICSL Variant Classification Criteria 13 December 2019. Collection method: clinical testing. Allele origin: germline.
Comment: This variant was observed in the ICSL laboratory as part of a predisposition screen in an ostensibly healthy population. It had not been previously curated by ICSL or reported in the Human Gene Mutation Database (HGMD: prior to June 1st, 2018), and was therefore a candidate for classification through an automated scoring system. Utilizing variant allele frequency, disease prevalence and penetrance estimates, and inheritance mode, an automated score was calculated to assess if this variant is too frequent to cause the disease. Based on the score and internal cut-off values, a variant classified as benign is not then subjected to further curation. The score for this variant resulted in a classification of benign for this disease.

Breakthrough Genomics
Classification: Likely benign. Review status: criteria provided, single submitter. Criteria: ACMG Guidelines, 2015. Collection method: not provided. Allele origin: germline. Inheritance: Autosomal recessive inheritance. Affected: yes.

NM_145861.4(EDARADD):c.*1601C>A

Gene: EDARADD (EDAR associated via death domain; plus strand). Cytogenetic location: 1q43.
Variant type: single nucleotide variant.
Coding change: c.*1601C>A on transcript NM_145861.4 (MANE Select); 1601 bases downstream of the stop codon, C replaced by A.
Molecular consequence: 3 prime UTR variant.
Genome position (GRCh38, 1-based): chr1:236,484,250, C>A. VCF-style: chr1-236484250-C-A. GRCh37 (hg19) VCF-style: chr1-236647550-C-A.
Other names: c.*1601C>A (NM_001422628.1, NM_080738.5).
Identifiers: ClinVar variation 296478 (VCV000296478.9), dbSNP rs3916983, ClinGen allele CA10609599.